The following is an entry in ClinVar:

NM_000719.7(CACNA1C):c.5300_5314del (p.Ile1767_Asn1771del)

Genes: CACNA1C (calcium voltage-gated channel subunit alpha1 C; plus strand), CACNA1C-AS1 (CACNA1C antisense RNA 1; minus strand). Cytogenetic location: 12p13.33.
Variant type: Deletion.
Coding change: c.5300_5314del on transcript NM_000719.7 (MANE Select); coding-DNA positions 5300 to 5314, 15 bases deleted (TCAACAACGCCAACA).
Protein change: p.Ile1767_Asn1771del.
Molecular consequence: inframe deletion.
Genome position (GRCh38, 1-based): chr12:2,679,652-2,679,666, TCAACAACGCCAACA deleted; deleting any 15 consecutive bases within chr12:2,679,641-2,679,666 gives the same sequence; the c. name uses the placement nearest the transcript's 3' end. VCF-style (leftmost placement, unchanged base first): chr12-2679640-CCAACGCCAACATCAA-C. GRCh37 (hg19) VCF-style: chr12-2788806-CCAACGCCAACATCAA-C.
Other names: c.5444_5458del, p.Ile1815_Asn1819del (NM_001129827.2, NM_199460.4); c.5423_5437del, p.Ile1808_Asn1812del (NM_001129829.2); c.5300_5314del, p.Ile1767_Asn1771del (NM_001129830.3, NM_001129840.2, NM_001129841.2 and 4 more transcripts); c.5384_5398del, p.Ile1795_Asn1799del (NM_001129831.2); c.5360_5374del, p.Ile1787_Asn1791del (NM_001129832.2); c.5357_5371del, p.Ile1786_Asn1790del (NM_001129833.2, NM_001129834.2, NM_001129835.2); c.5351_5365del, p.Ile1784_Asn1788del (NM_001129836.2); c.5324_5338del, p.Ile1775_Asn1779del (NM_001129837.2, NM_001129838.2); and 3 more.
Identifiers: ClinVar variation 960210 (VCV000960210.10), dbSNP rs765818401, ClinGen allele CA1139662468.

ClinVar aggregate classification (germline): Uncertain significance. Review status: criteria provided, multiple submitters, no conflicts (2 of 4 stars). 2 submissions from 2 submitters: Uncertain significance (2). Last evaluated 2024-10-15.

Conditions:
Long QT syndrome (LQTS). Identifiers: MedGen C0023976, MeSH D008133, MONDO:0002442. Disease mechanism: loss of function. Inheritance: Various modes of inheritance.

Submissions (2):

Labcorp Genetics (formerly Invitae), Labcorp
Classification: Uncertain significance for Long QT syndrome. Last evaluated: 2024-10-15. Review status: criteria provided, single submitter. Criteria: Invitae Variant Classification Sherloc (09022015). Collection method: clinical testing. Allele origin: germline.
Comment: This variant, c.5300_5314del, results in the deletion of 5 amino acid(s) of the CACNA1C protein (p.Ile1767_Asn1771del), but otherwise preserves the integrity of the reading frame. This variant is not present in population databases (gnomAD no frequency). This variant has not been reported in the literature in individuals affected with CACNA1C-related conditions. ClinVar contains an entry for this variant (Variation ID: 960210). Experimental studies and prediction algorithms are not available or were not evaluated, and the functional significance of this variant is currently unknown. In summary, the available evidence is currently insufficient to determine the role of this variant in disease. Therefore, it has been classified as a Variant of Uncertain Significance.

Blueprint Genetics
Classification: Uncertain significance. Last evaluated: 2023-11-22. Review status: criteria provided, single submitter. Criteria: ACMG Guidelines, 2015. Collection method: clinical testing. Allele origin: germline.